The following is an entry in ClinVar:

ClinVar aggregate classification (germline): Likely benign (1 of 4 stars; one submission).

gnomAD v4.1: 454 of 1,614,148 alleles (0.028%); highest among the groups gnomAD compares: East Asian, 0.058%; 1 homozygote.

Submission:

CeGaT Center for Human Genetics Tuebingen
Classification: Likely benign. Last evaluated: 2024-11-01. Review status: criteria provided, single submitter. Criteria: CeGaT Center For Human Genetics Tuebingen Variant Classification Criteria Version 2. Collection method: clinical testing. Allele origin: germline. Affected: yes. Observed: 1 variant allele.
Comment: PPIL1: BP4, BP7

NM_016059.5(PPIL1):c.468C>T (p.Asp156=)

Gene: PPIL1 (peptidylprolyl isomerase like 1; minus strand). Cytogenetic location: 6p21.2.
Variant type: single nucleotide variant.
Coding change: c.468C>T on transcript NM_016059.5 (MANE Select); coding-DNA position 468, C replaced by T.
Protein change: p.Asp156=; no amino-acid change (aspartic acid 156 retained).
Molecular consequence: synonymous variant.
Genome position (GRCh38, 1-based): chr6:36,855,846, G>A on the plus strand (C>T on the coding strand, the complement: PPIL1 is on the minus strand). VCF-style: chr6-36855846-G-A. GRCh37 (hg19) VCF-style: chr6-36823622-G-A.
Identifiers: ClinVar variation 3388650 (VCV003388650.14).
Genomic context (GRCh38, chr6:36,855,846, plus strand): 5'-GAAGAGCTGCTCAAGAGGGTAGCAAGTCTACCCAGAAGGGTATGCCTTAATGATCTTCAC[G>A]TCGTCCACAGGGCGGTCCTGGGAGTTTGTTTCTACCATTCCCACGCGATTCACCATTCCT-3'
Protein context (NP_057143.1, residues 146-166): ETNSQDRPVD[Asp156=]VKIIKAYPSG